The following is an entry in ClinVar:

ClinVar aggregate classification (germline): Uncertain significance (1 of 4 stars; one submission).

Conditions:
Hypoplastic left heart syndrome. Also called: Hypoplastic left heart; Hypoplastic left ventricle. Identifiers: Orphanet 2248, MedGen C0152101, MONDO:0004933, HP:0004383.

Submission:

Labcorp Genetics (formerly Invitae), Labcorp
Classification: Uncertain significance for Hypoplastic left heart syndrome. Last evaluated: 2023-02-16. Review status: criteria provided, single submitter. Criteria: Invitae Variant Classification Sherloc (09022015). Collection method: clinical testing. Allele origin: germline.
Comment: This variant has not been reported in the literature in individuals affected with HAND1-related conditions. This variant is present in population databases (no rsID available, gnomAD 0.006%). This sequence change replaces aspartic acid, which is acidic and polar, with tyrosine, which is neutral and polar, at codon 127 of the HAND1 protein (p.Asp127Tyr). An algorithm developed to predict the effect of missense changes on protein structure and function (PolyPhen-2) suggests that this variant is likely to be disruptive. In summary, the available evidence is currently insufficient to determine the role of this variant in disease. Therefore, it has been classified as a Variant of Uncertain Significance.

NM_004821.3(HAND1):c.379G>T (p.Asp127Tyr)

Gene: HAND1 (heart and neural crest derivatives expressed 1; minus strand). Cytogenetic location: 5q33.2.
Variant type: single nucleotide variant.
Coding change: c.379G>T on transcript NM_004821.3 (MANE Select); coding-DNA position 379, G replaced by T.
Protein change: p.Asp127Tyr; replaces aspartic acid 127 with tyrosine.
Molecular consequence: missense variant.
Genome position (GRCh38, 1-based): chr5:154,477,630, C>A on the plus strand (G>T on the coding strand, the complement: HAND1 is on the minus strand). VCF-style: chr5-154477630-C-A. GRCh37 (hg19) VCF-style: chr5-153857190-C-A.
Other names: short protein forms D127Y.
Identifiers: ClinVar variation 2837758 (VCV002837758.3), dbSNP rs1440191810, ClinGen allele CA361922372.
Genomic context (GRCh38, chr5:154,477,630, plus strand): 5'-TCAGGTAGGCGATGTAGCTGGTGGCTAGGCGCAGAGTCTTGATCTTGGAGAGCTTGGTGT[C>A]GGCCGGCACGTTGGGGATGCACTCGCGCAACTCCGCGAATGCGCTGTTAATGCTCTCAGT-3'
Protein context (NP_004812.1, residues 117-137): LRECIPNVPA[Asp127Tyr]TKLSKIKTLR